The following is an entry in ClinVar:

ClinVar aggregate classification (germline): Uncertain significance (1 of 4 stars; one submission).

Allele frequency attached by ClinVar (database versions not stated): ExAC 0.00001.

Submission:

Labcorp Genetics (formerly Invitae), Labcorp
Classification: Uncertain significance. Last evaluated: 2022-11-08. Review status: criteria provided, single submitter. Criteria: Invitae Variant Classification Sherloc (09022015). Collection method: clinical testing. Allele origin: germline.
Comment: In summary, the available evidence is currently insufficient to determine the role of this variant in disease. Therefore, it has been classified as a Variant of Uncertain Significance. Algorithms developed to predict the effect of missense changes on protein structure and function are either unavailable or do not agree on the potential impact of this missense change (SIFT: "Deleterious"; PolyPhen-2: "Not Available"; Align-GVGD: "Class C0"). ClinVar contains an entry for this variant (Variation ID: 1435089). This variant has not been reported in the literature in individuals affected with PCLO-related conditions. This variant is not present in population databases (gnomAD no frequency). This sequence change replaces arginine, which is basic and polar, with tryptophan, which is neutral and slightly polar, at codon 3605 of the PCLO protein (p.Arg3605Trp).

NM_033026.6(PCLO):c.10813C>T (p.Arg3605Trp)

Gene: PCLO (piccolo presynaptic cytomatrix protein; minus strand). Cytogenetic location: 7q21.11.
Variant type: single nucleotide variant.
Coding change: c.10813C>T on transcript NM_033026.6 (MANE Select); coding-DNA position 10813, C replaced by T.
Protein change: p.Arg3605Trp; replaces arginine 3605 with tryptophan.
Molecular consequence: missense variant.
Genome position (GRCh38, 1-based): chr7:82,949,775, G>A on the plus strand (C>T on the coding strand, the complement: PCLO is on the minus strand). VCF-style: chr7-82949775-G-A. GRCh37 (hg19) VCF-style: chr7-82579091-G-A.
Other names: c.10813C>T, p.Arg3605Trp (NM_014510.3); short protein forms R3605W.
Identifiers: ClinVar variation 1435089 (VCV001435089.6), dbSNP rs766614715, ClinGen allele CA4319677.
Genomic context (GRCh38, chr7:82,949,775, plus strand): 5'-AGTAAAGGACTTTGGGGGATTTGGGTGGGGAAGGAGCCAGCTGTACTGTGGAATCTGCCC[G>A]GAGGTGAGATGAATAACCAATCTCTAAAGGTGTTGGGCGTTTCTTGTCTTTGGGTGGAGA-3'
Protein context (NP_149015.2, residues 3595-3615): PLEIGYSSHL[Arg3605Trp]ADSTVQLAPS